The following is an entry in ClinVar:

ClinVar aggregate classification (germline): Uncertain significance (1 of 4 stars; one submission).

Conditions:
Cranium bifidum occultum. Also called: Enlarged Parietal Foramina; CATLIN MARKS; CRANIUM BIFIDUM, HEREDITARY. Identifiers: MedGen C1868598, HP:0004423.

gnomAD v4.1: 1 of 1,614,114 alleles (0.000062%); highest among the groups gnomAD compares: Non-Finnish European, 0.000085%; no homozygotes.

Submission:

Labcorp Genetics (formerly Invitae), Labcorp
Classification: Uncertain significance for Cranium bifidum occultum. Last evaluated: 2024-12-24. Review status: criteria provided, single submitter. Criteria: Invitae Variant Classification Sherloc (09022015). Collection method: clinical testing. Allele origin: germline.
Comment: This sequence change replaces arginine, which is basic and polar, with tryptophan, which is neutral and slightly polar, at codon 143 of the MSX2 protein (p.Arg143Trp). This variant is present in population databases (no rsID available, gnomAD 0.0009%). This variant has not been reported in the literature in individuals affected with MSX2-related conditions. Invitae Evidence Modeling of protein sequence and biophysical properties (such as structural, functional, and spatial information, amino acid conservation, physicochemical variation, residue mobility, and thermodynamic stability) indicates that this missense variant is expected to disrupt MSX2 protein function with a positive predictive value of 80%. In summary, the available evidence is currently insufficient to determine the role of this variant in disease. Therefore, it has been classified as a Variant of Uncertain Significance.

NM_002449.5(MSX2):c.427C>T (p.Arg143Trp)

Gene: MSX2 (msh homeobox 2; plus strand). Cytogenetic location: 5q35.2.
Variant type: single nucleotide variant.
Coding change: c.427C>T on transcript NM_002449.5 (MANE Select); coding-DNA position 427, C replaced by T.
Protein change: p.Arg143Trp; replaces arginine 143 with tryptophan.
Molecular consequence: missense variant. On other transcripts: 3 prime UTR variant (1).
Genome position (GRCh38, 1-based): chr5:174,729,206, C>T. VCF-style: chr5-174729206-C-T. GRCh37 (hg19) VCF-style: chr5-174156209-C-T.
Other names: c.*51C>T (NM_001363626.2); short protein forms R143W.
Identifiers: ClinVar variation 3680173 (VCV003680173.2).
Genomic context (GRCh38, chr5:174,729,206, plus strand): 5'-CTCTGTTCTCTAGGACATATGAGCCCTACCACCTGCACCCTGAGGAAACACAAGACCAAT[C>T]GGAAGCCGCGCACGCCCTTTACCACATCCCAGCTCCTCGCCCTGGAGCGCAAGTTCCGTC-3'
Protein context (NP_002440.2, residues 133-153): TCTLRKHKTN[Arg143Trp]KPRTPFTTSQ